The following is an entry in ClinVar:

ClinVar aggregate classification (germline): Uncertain significance (1 of 4 stars; one submission).

Conditions:
Neuronal ceroid lipofuscinosis. Also called: Neuronal Ceroid Lipofuscinoses. Identifiers: Orphanet 216, Orphanet 79263, MedGen C0027877, MONDO:0016295. Disease mechanism: loss of function.

gnomAD v4.1: 2 of 1,612,750 alleles (0.00012%); highest among the groups gnomAD compares: Non-Finnish European, 0.00017%; no homozygotes.

Submission:

Labcorp Genetics (formerly Invitae), Labcorp
Classification: Uncertain significance for Neuronal ceroid lipofuscinosis. Last evaluated: 2021-09-17. Review status: criteria provided, single submitter. Criteria: Invitae Variant Classification Sherloc (09022015). Collection method: clinical testing. Allele origin: germline.
Comment: This sequence change replaces serine with phenylalanine at codon 215 of the CLN3 protein (p.Ser215Phe). The serine residue is weakly conserved and there is a large physicochemical difference between serine and phenylalanine. This variant is not present in population databases (ExAC no frequency). This variant has not been reported in the literature in individuals with CLN3-related conditions. Algorithms developed to predict the effect of missense changes on protein structure and function are either unavailable or do not agree on the potential impact of this missense change (SIFT: "Tolerated"; PolyPhen-2: "Probably Damaging"; Align-GVGD: "Class C0"). In summary, the available evidence is currently insufficient to determine the role of this variant in disease. Therefore, it has been classified as a Variant of Uncertain Significance.

NM_001042432.2(CLN3):c.644C>T (p.Ser215Phe)

Gene: CLN3 (CLN3 lysosomal/endosomal transmembrane protein, battenin; minus strand). Cytogenetic location: 16p12.1.
Variant type: single nucleotide variant.
Coding change: c.644C>T on transcript NM_001042432.2 (MANE Select); coding-DNA position 644, C replaced by T.
Protein change: p.Ser215Phe; replaces serine 215 with phenylalanine.
Molecular consequence: missense variant.
Genome position (GRCh38, 1-based): chr16:28,486,380, G>A on the plus strand (C>T on the coding strand, the complement: CLN3 is on the minus strand). VCF-style: chr16-28486380-G-A. GRCh37 (hg19) VCF-style: chr16-28497701-G-A.
Other names: c.644C>T, p.Ser215Phe (NM_000086.2); c.572C>T, p.Ser191Phe (NM_001286104.2); c.344C>T, p.Ser115Phe (NM_001286105.2); c.410C>T, p.Ser137Phe (NM_001286109.2); c.482C>T, p.Ser161Phe (NM_001286110.2); short protein forms S215F, S137F, S161F, S115F, S191F.
Identifiers: ClinVar variation 2158601 (VCV002158601.1), dbSNP rs1328657534, ClinGen allele CA395345231.